The following is an entry in ClinVar:

ClinVar aggregate classification (germline): Benign/Likely benign. Review status: criteria provided, multiple submitters, no conflicts (2 of 4 stars). 6 submissions from 6 submitters: Benign (2); Likely benign (3). 1 of the submissions does not count toward it. Last evaluated 2026-06-01.

Conditions:
KAT6A-related disorder. Also called: KAT6A-related condition.
Inborn genetic diseases. Identifiers: MedGen C0950123, MeSH D030342.

Allele frequency attached by ClinVar (database versions not stated): 1000 Genomes Project 30x 0.00031; 1000 Genomes Project 0.00040; gnomAD exomes 0.00055; ExAC 0.00059; TOPMed 0.00074; gnomAD 0.00078 and 0.00081; ESP Exome Variant Server 0.00123.
gnomAD v4.1: 1,940 of 1,614,202 alleles (0.12%); highest among the groups gnomAD compares: Non-Finnish European, 0.15%; 1 homozygote.

Submissions (6):

CeGaT Center for Human Genetics Tuebingen
Classification: Likely benign. Last evaluated: 2026-06-01. Review status: criteria provided, single submitter. Criteria: CeGaT Center For Human Genetics Tuebingen Variant Classification Criteria Version 2. Collection method: clinical testing. Allele origin: germline. Affected: yes. Observed: 3 variant alleles.
Comment: KAT6A: BP4, BP7, BS1

Labcorp Genetics (formerly Invitae), Labcorp
Classification: Benign. Last evaluated: 2026-01-27. Review status: criteria provided, single submitter. Criteria: Invitae Variant Classification Sherloc (09022015). Collection method: clinical testing. Allele origin: germline.

Blueprint Genetics
Classification: Likely benign. Last evaluated: 2024-11-04. Review status: criteria provided, single submitter. Criteria: ACMG Guidelines, 2015. Collection method: clinical testing. Allele origin: germline.

GeneDx
Classification: Benign. Last evaluated: 2020-12-23. Review status: criteria provided, single submitter. Criteria: GeneDx Variant Classification Process June 2021. Collection method: clinical testing. Allele origin: germline. Affected: yes.

Ambry Genetics
Classification: Likely benign for Inborn genetic diseases. Last evaluated: 2016-07-05. Review status: criteria provided, single submitter. Criteria: Ambry Variant Classification Scheme 2023. Collection method: clinical testing. Allele origin: germline.

PreventionGenetics, part of Exact Sciences
Classification: Likely benign for KAT6A-related condition. Last evaluated: 2024-06-13. Review status: no assertion criteria provided. Collection method: clinical testing. Allele origin: germline. Not counted in ClinVar's aggregate classification.
Comment: This variant is classified as likely benign based on ACMG/AMP sequence variant interpretation guidelines (Richards et al. 2015 PMID: 25741868, with internal and published modifications).

NM_006766.5(KAT6A):c.5526G>A (p.Thr1842=)

Gene: KAT6A (lysine acetyltransferase 6A; minus strand). Cytogenetic location: 8p11.21.
Variant type: single nucleotide variant.
Coding change: c.5526G>A on transcript NM_006766.5 (MANE Select); coding-DNA position 5526, G replaced by A.
Protein change: p.Thr1842=; no amino-acid change (threonine 1842 retained).
Molecular consequence: synonymous variant.
Genome position (GRCh38, 1-based): chr8:41,932,694, C>T on the plus strand (G>A on the coding strand, the complement: KAT6A is on the minus strand). VCF-style: chr8-41932694-C-T. GRCh37 (hg19) VCF-style: chr8-41790212-C-T.
Other names: c.5526G>A (NM_006766.4).
Identifiers: ClinVar variation 588011 (VCV000588011.38), dbSNP rs146496080, ClinGen allele CA4729291.